The following is an entry in ClinVar:

ClinVar aggregate classification (germline): Benign/Likely benign. Review status: criteria provided, multiple submitters, no conflicts (2 of 4 stars). 3 submissions from 3 submitters: Benign (1); Likely benign (2). Last evaluated 2026-04-16.

Conditions:
DICER1-related tumor predisposition. Also called: DICER1-related pleuropulmonary blastoma cancer predisposition syndrome; DICER1 syndrome. Identifiers: Orphanet 284343, MedGen C3839822, MONDO:0100216.
Hereditary cancer-predisposing syndrome. Also called: Neoplastic Syndromes, Hereditary; Hereditary Cancer Syndrome; Hereditary neoplastic syndrome; Tumor predisposition. Identifiers: Orphanet 140162, MedGen C0027672, MeSH D009386, MONDO:0015356.

Allele frequency attached by ClinVar (database versions not stated): gnomAD exomes below 0.00001.
gnomAD v4.1: 1 of 1,613,662 alleles (0.000062%); highest among the groups gnomAD compares: Admixed American, 0.0017%; no homozygotes.

Submissions (3):

Myriad Genetics, Inc.
Classification: Benign for DICER1-related tumor predisposition. Last evaluated: 2026-04-16. Review status: criteria provided, single submitter. Criteria: Myriad Autosomal Dominant, Autosomal Recessive and X-Linked Classification Criteria (2023). Collection method: clinical testing. Allele origin: unknown.
Comment: This variant is considered benign. This variant is a silent/synonymous amino acid change and it is not expected to impact splicing.

Labcorp Genetics (formerly Invitae), Labcorp
Classification: Likely benign for DICER1-related tumor predisposition. Last evaluated: 2024-06-05. Review status: criteria provided, single submitter. Criteria: Invitae Variant Classification Sherloc (09022015). Collection method: clinical testing. Allele origin: germline.

Ambry Genetics
Classification: Likely benign for Hereditary cancer-predisposing syndrome. Last evaluated: 2022-06-13. Review status: criteria provided, single submitter. Criteria: Ambry Variant Classification Scheme 2023. Collection method: clinical testing. Allele origin: germline.

NM_177438.3(DICER1):c.2034C>A (p.Ser678=)

Gene: DICER1 (dicer 1, ribonuclease III; minus strand). Cytogenetic location: 14q32.13.
Variant type: single nucleotide variant.
Coding change: c.2034C>A on transcript NM_177438.3 (MANE Select); coding-DNA position 2034, C replaced by A.
Protein change: p.Ser678=; no amino-acid change (serine 678 retained).
Molecular consequence: synonymous variant.
Genome position (GRCh38, 1-based): chr14:95,113,098, G>T on the plus strand (C>A on the coding strand, the complement: DICER1 is on the minus strand). VCF-style: chr14-95113098-G-T. GRCh37 (hg19) VCF-style: chr14-95579435-G-T.
Other names: c.2034C>A, p.Ser678= (NM_001195573.1, NM_001271282.3, NM_001291628.2 and 1 more transcripts).
Identifiers: ClinVar variation 543664 (VCV000543664.16), dbSNP rs1292602527, ClinGen allele CA487629892.